The following is an entry in ClinVar:

ClinVar aggregate classification (germline): Uncertain significance (1 of 4 stars; one submission).

Conditions:
Bethlem myopathy 1A. Also called: Bethlem Muscular Dystrophy; MYOPATHY, BENIGN CONGENITAL, WITH CONTRACTURES; Bethlem myopathy 1. Identifiers: Orphanet 610, MedGen CN029274, MONDO:0024530, OMIM 158810.

Allele frequency attached by ClinVar (database versions not stated): gnomAD exomes below 0.00001; TOPMed below 0.00001.
gnomAD v4.1: 2 of 1,614,224 alleles (0.00012%); highest among the groups gnomAD compares: Admixed American, 0.0033%; no homozygotes.

Submission:

Labcorp Genetics (formerly Invitae), Labcorp
Classification: Uncertain significance for Bethlem myopathy 1A. Last evaluated: 2022-02-11. Review status: criteria provided, single submitter. Criteria: Invitae Variant Classification Sherloc (09022015). Collection method: clinical testing. Allele origin: germline.
Comment: Advanced modeling of protein sequence and biophysical properties (such as structural, functional, and spatial information, amino acid conservation, physicochemical variation, residue mobility, and thermodynamic stability) performed at Invitae indicates that this missense variant is not expected to disrupt COL6A3 protein function. This sequence change replaces phenylalanine, which is neutral and non-polar, with isoleucine, which is neutral and non-polar, at codon 1696 of the COL6A3 protein (p.Phe1696Ile). This variant is not present in population databases (gnomAD no frequency). This variant has not been reported in the literature in individuals affected with COL6A3-related conditions. In summary, the available evidence is currently insufficient to determine the role of this variant in disease. Therefore, it has been classified as a Variant of Uncertain Significance.

NM_004369.4(COL6A3):c.5086T>A (p.Phe1696Ile)

Gene: COL6A3 (collagen type VI alpha 3 chain; minus strand). Cytogenetic location: 2q37.3.
Variant type: single nucleotide variant.
Coding change: c.5086T>A on transcript NM_004369.4 (MANE Select); coding-DNA position 5086, T replaced by A.
Protein change: p.Phe1696Ile; replaces phenylalanine 1696 with isoleucine.
Molecular consequence: missense variant.
Genome position (GRCh38, 1-based): chr2:237,367,101, A>T on the plus strand (T>A on the coding strand, the complement: COL6A3 is on the minus strand). VCF-style: chr2-237367101-A-T. GRCh37 (hg19) VCF-style: chr2-238275744-A-T.
Other names: c.3265T>A, p.Phe1089Ile (NM_057166.5); c.4468T>A, p.Phe1490Ile (NM_057167.4); short protein forms F1490I, F1089I, F1696I.
Identifiers: ClinVar variation 2185316 (VCV002185316.4), dbSNP rs2077573236, ClinGen allele CA351188936.